The following is an entry in ClinVar:

NM_001134831.2(AHI1):c.1623del (p.Cys542fs)

Gene: AHI1 (Abelson helper integration site 1; minus strand). Cytogenetic location: 6q23.3.
Variant type: Deletion.
Coding change: c.1623del on transcript NM_001134831.2 (MANE Select); coding-DNA position 1623, one base deleted (C; older notation c.1623delC).
Protein change: p.Cys542fs; shifts the reading frame from cysteine 542.
Molecular consequence: frameshift variant.
Genome position (GRCh38, 1-based): chr6:135,448,293, G deleted on the plus strand (C on the coding strand, the reverse complement: AHI1 is on the minus strand). VCF-style (leftmost placement, unchanged base first): chr6-135448292-AG-A. GRCh37 (hg19) VCF-style: chr6-135769430-AG-A.
Other names: c.1623del, p.Cys542fs (NM_001134830.2, NM_001134832.2, NM_001350503.2 and 2 more transcripts); short protein forms C542fs.
Identifiers: ClinVar variation 2842427 (VCV002842427.3), dbSNP rs2484786284, ClinGen allele CA2739266197.
Genomic context (GRCh38, chr6:135,448,292, plus strand): 5'-TGTCACCATTTAATTTCAACACTAGATGATATACACTTAATATGTACTATTAACTTACAC[AG>A]TCTGGAACTTTCAGTCCTCTTACAGTTACGTACAGTGTTGATGGGTAATGATTTCTTGGA-3'

ClinVar aggregate classification (germline): Pathogenic (1 of 4 stars; one submission).

Conditions:
Joubert syndrome. Also called: CEREBELLOPARENCHYMAL DISORDER IV; JOUBERT-BOLTSHAUSER SYNDROME; Familial aplasia of the vermis. Identifiers: Orphanet 475, MedGen C5979921, MONDO:0018772.

Submission:

Labcorp Genetics (formerly Invitae), Labcorp
Classification: Pathogenic for Joubert syndrome. Last evaluated: 2023-03-03. Review status: criteria provided, single submitter. Criteria: Invitae Variant Classification Sherloc (09022015). Collection method: clinical testing. Allele origin: germline.
Comment: For these reasons, this variant has been classified as Pathogenic. This variant has not been reported in the literature in individuals affected with AHI1-related conditions. This variant is not present in population databases (gnomAD no frequency). This sequence change creates a premature translational stop signal (p.Cys542Valfs*2) in the AHI1 gene. It is expected to result in an absent or disrupted protein product. Loss-of-function variants in AHI1 are known to be pathogenic (PMID: 15322546, 16453322, 28442542, 29186038).

Literature cited by the submitters: PubMed 15322546; PubMed 16453322; PubMed 28442542; PubMed 29186038.